The following is an entry in ClinVar:

ClinVar aggregate classification (germline): Uncertain significance (1 of 4 stars; one submission).

Conditions:
ALMS1-related disorder. Also called: ALMS1-related condition.

Submission:

PreventionGenetics, part of Exact Sciences
Classification: Uncertain significance for ALMS1-related condition. Last evaluated: 2026-01-02. Review status: criteria provided, single submitter. Criteria: ACMG Guidelines, 2015. Collection method: clinical testing. Allele origin: germline.
Comment: The ALMS1 c.10566A>T variant is predicted to result in the amino acid substitution p.Arg3522Ser. To our knowledge, this variant has not been reported in the literature or in a large population database (gnomAD), indicating this variant is rare. At this time, the clinical significance of this variant is uncertain due to the absence of conclusive functional and genetic evidence.

NM_001378454.1(ALMS1):c.10563A>T (p.Lys3521Asn)

Gene: ALMS1 (ALMS1 centrosome and basal body associated protein; plus strand). Cytogenetic location: 2p13.1.
Variant type: single nucleotide variant.
Coding change: c.10563A>T on transcript NM_001378454.1 (MANE Select); coding-DNA position 10563, A replaced by T.
Protein change: p.Lys3521Asn; replaces lysine 3521 with asparagine.
Molecular consequence: missense variant.
Genome position (GRCh38, 1-based): chr2:73,572,440, A>T. VCF-style: chr2-73572440-A-T. GRCh37 (hg19) VCF-style: chr2-73799567-A-T.
Other names: c.10566A>T, p.Lys3522Asn (NM_015120.4); short protein forms K3522N, K3521N.
Identifiers: ClinVar variation 4991721 (VCV004991721.1).